The following is an entry in ClinVar:

ClinVar aggregate classification (germline): Uncertain significance. Review status: criteria provided, multiple submitters, no conflicts (2 of 4 stars). 2 submissions from 2 submitters: Uncertain significance (2). Last evaluated 2022-10-07.

Conditions:
Inborn genetic diseases. Identifiers: MedGen C0950123, MeSH D030342.
Brachyolmia-amelogenesis imperfecta syndrome. Also called: Tooth agenesis, selective, 6; Dental anomalies and short stature; PLATYSPONDYLY WITH AMELOGENESIS IMPERFECTA. Identifiers: Orphanet 2899, MedGen C1832594, MONDO:0011018, OMIM 601216. Disease mechanism: loss of function.

Allele frequency attached by ClinVar (database versions not stated): gnomAD exomes 0.00001.
gnomAD v4.1: 20 of 1,526,526 alleles (0.0013%); highest among the groups gnomAD compares: Non-Finnish European, 0.0018%; no homozygotes.

Submissions (2):

Ambry Genetics
Classification: Uncertain significance for Inborn genetic diseases. Last evaluated: 2022-10-07. Review status: criteria provided, single submitter. Criteria: Ambry Variant Classification Scheme 2023. Collection method: clinical testing. Allele origin: germline.
Comment: The p.V1098I variant (also known as c.3292G>A), located in coding exon 24 of the LTBP3 gene, results from a G to A substitution at nucleotide position 3292. The valine at codon 1098 is replaced by isoleucine, an amino acid with highly similar properties. This amino acid position is conserved. In addition, this alteration is predicted to be tolerated by in silico analysis. Since supporting evidence is limited at this time, the clinical significance of this alteration remains unclear.

Labcorp Genetics (formerly Invitae), Labcorp
Classification: Uncertain significance for Brachyolmia-amelogenesis imperfecta syndrome. Last evaluated: 2021-08-03. Review status: criteria provided, single submitter. Criteria: Invitae Variant Classification Sherloc (09022015). Collection method: clinical testing. Allele origin: germline.
Comment: In summary, the available evidence is currently insufficient to determine the role of this variant in disease. Therefore, it has been classified as a Variant of Uncertain Significance. Algorithms developed to predict the effect of missense changes on protein structure and function output the following: SIFT: "Deleterious"; PolyPhen-2: "Benign"; Align-GVGD: "Class C0". The isoleucine amino acid residue is found in multiple mammalian species, which suggests that this missense change does not adversely affect protein function. This variant has not been reported in the literature in individuals affected with LTBP3-related conditions. The frequency data for this variant in the population databases is considered unreliable, as metrics indicate insufficient coverage at this position in the ExAC database. This sequence change replaces valine with isoleucine at codon 1098 of the LTBP3 protein (p.Val1098Ile). The valine residue is moderately conserved and there is a small physicochemical difference between valine and isoleucine.

NM_001130144.3(LTBP3):c.3292G>A (p.Val1098Ile)

Gene: LTBP3 (latent transforming growth factor beta binding protein 3; minus strand). Cytogenetic location: 11q13.1.
Variant type: single nucleotide variant.
Coding change: c.3292G>A on transcript NM_001130144.3 (MANE Select); coding-DNA position 3292, G replaced by A.
Protein change: p.Val1098Ile; replaces valine 1098 with isoleucine.
Molecular consequence: missense variant. On other transcripts: intron variant (2).
Genome position (GRCh38, 1-based): chr11:65,540,106, C>T on the plus strand (G>A on the coding strand, the complement: LTBP3 is on the minus strand). VCF-style: chr11-65540106-C-T. GRCh37 (hg19) VCF-style: chr11-65307577-C-T.
Other names: c.2893+139G>A (NM_001164266.1); c.3244+139G>A (NM_021070.4); short protein forms V1098I.
Identifiers: ClinVar variation 1440741 (VCV001440741.8), dbSNP rs1005265947, ClinGen allele CA224009080.